The following is an entry in ClinVar:

NM_030653.4(DDX11):c.223C>T (p.Arg75Ter)

Gene: DDX11 (DEAD/H-box helicase 11; plus strand). Cytogenetic location: 12p11.21.
Variant type: single nucleotide variant.
Coding change: c.223C>T on transcript NM_030653.4 (MANE Select); coding-DNA position 223, C replaced by T.
Protein change: p.Arg75Ter; replaces arginine 75 with a stop codon.
Molecular consequence: nonsense.
Genome position (GRCh38, 1-based): chr12:31,083,891, C>T. VCF-style: chr12-31083891-C-T. GRCh37 (hg19) VCF-style: chr12-31236825-C-T.
Other names: c.223C>T, p.Arg75Ter (NM_001257144.2, NM_004399.3, NM_152438.2); c.145C>T, p.Arg49Ter (NM_001257145.2); short protein forms R75*, R49*.
Identifiers: ClinVar variation 521211 (VCV000521211.6), dbSNP rs781413815, ClinGen allele CA6500679.

ClinVar aggregate classification (germline): Pathogenic/Likely pathogenic. Review status: criteria provided, multiple submitters, no conflicts (2 of 4 stars). 2 submissions from 2 submitters: Pathogenic (1); Likely pathogenic (1). Last evaluated 2026-07-09.

Conditions:
Inborn genetic diseases. Identifiers: MedGen C0950123, MeSH D030342.
Warsaw breakage syndrome (WABS). Also called: DDX11-Related Cohesinopathy. Identifiers: Orphanet 280558, MedGen C3150658, MONDO:0013252, OMIM 613398.

Allele frequency attached by ClinVar (database versions not stated): gnomAD 0.00001; TOPMed 0.00001.
gnomAD v4.1: 16 of 1,613,400 alleles (0.00099%); highest among the groups gnomAD compares: South Asian, 0.0099%; no homozygotes.

Submissions (2):

Ambry Genetics
Classification: Pathogenic for Inborn genetic diseases. Last evaluated: 2026-07-09. Review status: criteria provided, single submitter. Criteria: Ambry Variant Classification Scheme 2023. Collection method: clinical testing. Allele origin: germline.
Comment: The c.223C>T (p.R75*) alteration, located in exon 3 (coding exon 2) of the DDX11 gene, consists of a C to T substitution at nucleotide position 223. This changes the amino acid from an arginine (R) to a stop codon at amino acid position 75. This variant is expected to result in loss of function by premature protein truncation or nonsense-mediated mRNA decay. Based on data from gnomAD, the T allele has an overall frequency of 0.003% (7/249770) total alleles studied. The highest observed frequency was 0.011% (2/18394) of East Asian alleles. Based on the available evidence, this alteration is classified as pathogenic.

First Genomix Gene Laboratory, Genetic Diagnostics Department
Classification: Likely pathogenic for Warsaw breakage syndrome. Last evaluated: 2025-05-22. Review status: criteria provided, single submitter. Criteria: ACMG Guidelines, 2015. Collection method: clinical testing. Allele origin: germline. Inheritance: Autosomal recessive inheritance. Affected: no. Observed: 1 variant allele.